The following is an entry in ClinVar:

ClinVar aggregate classification (germline): Uncertain significance (1 of 4 stars; one submission).

Submission:

Labcorp Genetics (formerly Invitae), Labcorp
Classification: Uncertain significance. Last evaluated: 2025-10-06. Review status: criteria provided, single submitter. Criteria: Invitae Variant Classification Sherloc (09022015). Collection method: clinical testing. Allele origin: germline.
Comment: This sequence change replaces serine, which is neutral and polar, with asparagine, which is neutral and polar, at codon 457 of the TCF3 protein (p.Ser457Asn). This variant is present in population databases (no rsID available, gnomAD 0.02%). This variant has not been reported in the literature in individuals affected with TCF3-related conditions. Invitae Evidence Modeling of protein sequence and biophysical properties (such as structural, functional, and spatial information, amino acid conservation, physicochemical variation, residue mobility, and thermodynamic stability) indicates that this missense variant is not expected to disrupt TCF3 protein function with a negative predictive value of 80%. In summary, the available evidence is currently insufficient to determine the role of this variant in disease. Therefore, it has been classified as a Variant of Uncertain Significance.

NM_003200.5(TCF3):c.1370G>A (p.Ser457Asn)

Gene: TCF3 (transcription factor 3; minus strand). Cytogenetic location: 19p13.3.
Variant type: single nucleotide variant.
Coding change: c.1370G>A on transcript NM_003200.5 (MANE Select); coding-DNA position 1370, G replaced by A.
Protein change: p.Ser457Asn; replaces serine 457 with asparagine.
Molecular consequence: missense variant.
Genome position (GRCh38, 1-based): chr19:1,619,191, C>T on the plus strand (G>A on the coding strand, the complement: TCF3 is on the minus strand). VCF-style: chr19-1619191-C-T. GRCh37 (hg19) VCF-style: chr19-1619190-C-T.
Other names: c.1370G>A, p.Ser457Asn (NM_001136139.4, NM_001351779.2); c.1367G>A, p.Ser456Asn (NM_001351778.2); short protein forms S456N, S457N.
Identifiers: ClinVar variation 4690927 (VCV004690927.1).